The following is an entry in ClinVar:

ClinVar aggregate classification (germline): Uncertain significance (1 of 4 stars; one submission).

gnomAD v4.1: 9 of 1,610,292 alleles (0.00056%); highest among the groups gnomAD compares: African/African-American, 0.0027%; no homozygotes.

Submission:

GeneDx
Classification: Uncertain significance. Last evaluated: 2019-04-04. Review status: criteria provided, single submitter. Criteria: GeneDx Variant Classification Process June 2021. Collection method: clinical testing. Allele origin: germline. Affected: yes.
Comment: In silico analysis, which includes protein predictors and evolutionary conservation, supports a deleterious effect; Has not been previously published as pathogenic or benign to our knowledge; Observed in 2/13,980 (0.014%) alleles from individuals of African background, in large population cohorts (Lek et al., 2016)

NM_000260.4(MYO7A):c.5559C>A (p.His1853Gln)

Gene: MYO7A (myosin VIIA; plus strand). Cytogenetic location: 11q13.5.
Variant type: single nucleotide variant.
Coding change: c.5559C>A on transcript NM_000260.4 (MANE Select); coding-DNA position 5559, C replaced by A.
Protein change: p.His1853Gln; replaces histidine 1853 with glutamine.
Molecular consequence: missense variant.
Genome position (GRCh38, 1-based): chr11:77,205,540, C>A. VCF-style: chr11-77205540-C-A. GRCh37 (hg19) VCF-style: chr11-76916585-C-A.
Other names: c.5445C>A, p.His1815Gln (NM_001127180.2); c.5412C>A, p.His1804Gln (NM_001369365.1); short protein forms H1804Q, H1815Q, H1853Q.
Identifiers: ClinVar variation 1308436 (VCV001308436.2), dbSNP rs373612656, ClinGen allele CA381952998.
Genomic context (GRCh38, chr11:77,205,540, plus strand): 5'-TTGGGAGCTGCTCTGGCTGTGCACGGGCCTTTTCCCACCCAGCAACATCCTCCTGCCCCA[C>A]GTGCAGCGCTTCCTGCAGTCCCGAAAGCACTGCCCACTCGCCATCGACTGCCTGCAACGG-3'
Protein context (NP_000251.3, residues 1843-1863): LFPPSNILLP[His1853Gln]VQRFLQSRKH